The following is an entry in ClinVar:

ClinVar aggregate classification (germline): Likely benign. Review status: criteria provided, multiple submitters, no conflicts (2 of 4 stars). 2 submissions from 2 submitters: Likely benign (2). Last evaluated 2024-04-20.

Conditions:
MEGF10-related myopathy (CMYO10A). Also called: Congenital myopathy 10A, severe variant. Identifiers: Orphanet 439212, MedGen C3280679, MONDO:0013731, OMIM 614399.

Allele frequency attached by ClinVar (database versions not stated): gnomAD 0.00001; TOPMed 0.00001; gnomAD exomes 0.00002.
gnomAD v4.1: 27 of 1,613,940 alleles (0.0017%); highest among the groups gnomAD compares: Middle Eastern, 0.016%; no homozygotes.

Submissions (2):

Labcorp Genetics (formerly Invitae), Labcorp
Classification: Likely benign for MEGF10-related myopathy. Last evaluated: 2024-04-20. Review status: criteria provided, single submitter. Criteria: Invitae Variant Classification Sherloc (09022015). Collection method: clinical testing. Allele origin: germline.

GeneDx
Classification: Likely benign. Last evaluated: 2017-11-14. Review status: criteria provided, single submitter. Criteria: GeneDx Variant Classification (06012015). Collection method: clinical testing. Allele origin: germline. Affected: yes.
Comment: This variant is considered likely benign or benign based on one or more of the following criteria: it is a conservative change, it occurs at a poorly conserved position in the protein, it is predicted to be benign by multiple in silico algorithms, and/or has population frequency not consistent with disease.

NM_001256545.2(MEGF10):c.2853G>A (p.Thr951=)

Gene: MEGF10 (multiple EGF like domains 10; plus strand). Cytogenetic location: 5q23.2.
Variant type: single nucleotide variant.
Coding change: c.2853G>A on transcript NM_001256545.2 (MANE Select); coding-DNA position 2853, G replaced by A.
Protein change: p.Thr951=; no amino-acid change (threonine 951 retained).
Molecular consequence: synonymous variant.
Genome position (GRCh38, 1-based): chr5:127,447,681, G>A. VCF-style: chr5-127447681-G-A. GRCh37 (hg19) VCF-style: chr5-126783373-G-A.
Other names: c.2853G>A, p.Thr951= (NM_032446.3).
Identifiers: ClinVar variation 513342 (VCV000513342.12), dbSNP rs966689979, ClinGen allele CA126968327.